The following is an entry in ClinVar:

NM_015176.4(FBXO28):c.1033C>T (p.Pro345Ser)

Gene: FBXO28 (F-box protein 28; plus strand). Cytogenetic location: 1q42.11.
Variant type: single nucleotide variant.
Coding change: c.1033C>T on transcript NM_015176.4 (MANE Select); coding-DNA position 1033, C replaced by T.
Protein change: p.Pro345Ser; replaces proline 345 with serine.
Molecular consequence: missense variant. On other transcripts: 3 prime UTR variant (1), non-coding transcript variant (1).
Genome position (GRCh38, 1-based): chr1:224,157,672, C>T. VCF-style: chr1-224157672-C-T. GRCh37 (hg19) VCF-style: chr1-224345374-C-T.
Other names: c.*297C>T (NM_001136115.3); short protein forms P345S.
Identifiers: ClinVar variation 2582151 (VCV002582151.2), dbSNP rs2527209653, ClinGen allele CA344706159.

ClinVar aggregate classification (germline): Uncertain significance (1 of 4 stars; one submission).

Submission:

GeneDx
Classification: Uncertain significance. Last evaluated: 2025-09-18. Review status: criteria provided, single submitter. Criteria: GeneDx Variant Classification Process June 2021. Collection method: clinical testing. Allele origin: germline. Affected: yes.
Comment: Not observed at significant frequency in large population cohorts (gnomAD); In silico analysis suggests that this missense variant does not alter protein structure/function; Has not been previously published as pathogenic or benign to our knowledge